The following is an entry in ClinVar:

ClinVar aggregate classification (germline): Likely benign (0 of 4 stars; one submission).

Conditions:
NUP133-related disorder. Also called: NUP133-related condition.

Allele frequency attached by ClinVar (database versions not stated): TOPMed 0.00002; gnomAD 0.00004; 1000 Genomes Project 30x 0.00031; 1000 Genomes Project 0.00040; ExAC 0.00083.
gnomAD v4.1: 144 of 1,494,852 alleles (0.0096%); highest among the groups gnomAD compares: South Asian, 0.17%; no homozygotes.

Submission:

PreventionGenetics, part of Exact Sciences
Classification: Likely benign for NUP133-related condition. Last evaluated: 2022-07-21. Review status: no assertion criteria provided. Collection method: clinical testing. Allele origin: germline.
Comment: This variant is classified as likely benign based on ACMG/AMP sequence variant interpretation guidelines (Richards et al. 2015 PMID: 25741868, with internal and published modifications).

NM_018230.3(NUP133):c.-10C>T

Genes: NUP133 (nucleoporin 133; minus strand), LOC129932732 (ATAC-STARR-seq lymphoblastoid silent region 1931; plus strand). Cytogenetic location: 1q42.13.
Variant type: single nucleotide variant.
Coding change: c.-10C>T on transcript NM_018230.3 (MANE Select); 10 bases upstream of the start codon, C replaced by T.
Molecular consequence: 5 prime UTR variant.
Genome position (GRCh38, 1-based): chr1:229,508,259, G>A on the plus strand (C>T on the coding strand, the complement: NUP133 is on the minus strand). VCF-style: chr1-229508259-G-A. GRCh37 (hg19) VCF-style: chr1-229644006-G-A.
Identifiers: ClinVar variation 3032550 (VCV003032550.2), dbSNP rs557776254, ClinGen allele CA1443980.